The following is an entry in ClinVar:

ClinVar aggregate classification (germline): Uncertain significance (1 of 4 stars; one submission).

Submission:

Labcorp Genetics (formerly Invitae), Labcorp
Classification: Uncertain significance. Last evaluated: 2022-11-30. Review status: criteria provided, single submitter. Criteria: Invitae Variant Classification Sherloc (09022015). Collection method: clinical testing. Allele origin: germline.
Comment: This sequence change replaces alanine, which is neutral and non-polar, with valine, which is neutral and non-polar, at codon 103 of the RALA protein (p.Ala103Val). In summary, the available evidence is currently insufficient to determine the role of this variant in disease. Therefore, it has been classified as a Variant of Uncertain Significance. Advanced modeling of protein sequence and biophysical properties (such as structural, functional, and spatial information, amino acid conservation, physicochemical variation, residue mobility, and thermodynamic stability) performed at Invitae indicates that this missense variant is not expected to disrupt RALA protein function. This variant has not been reported in the literature in individuals affected with RALA-related conditions. This variant is not present in population databases (gnomAD no frequency).

NM_005402.4(RALA):c.308C>T (p.Ala103Val)

Gene: RALA (RAS like proto-oncogene A; plus strand). Cytogenetic location: 7p14.1.
Variant type: single nucleotide variant.
Coding change: c.308C>T on transcript NM_005402.4 (MANE Select); coding-DNA position 308, C replaced by T.
Protein change: p.Ala103Val; replaces alanine 103 with valine.
Molecular consequence: missense variant.
Genome position (GRCh38, 1-based): chr7:39,690,575, C>T. VCF-style: chr7-39690575-C-T. GRCh37 (hg19) VCF-style: chr7-39730174-C-T.
Other names: short protein forms A103V.
Identifiers: ClinVar variation 2793054 (VCV002793054.3), dbSNP rs1792797104, ClinGen allele CA367305403.